The following is an entry in ClinVar:

NM_015164.4(PLEKHM2):c.1159G>A (p.Glu387Lys)

Gene: PLEKHM2 (pleckstrin homology and RUN domain containing M2; plus strand). Cytogenetic location: 1p36.21.
Variant type: single nucleotide variant.
Coding change: c.1159G>A on transcript NM_015164.4 (MANE Select); coding-DNA position 1159, G replaced by A.
Protein change: p.Glu387Lys; replaces glutamic acid 387 with lysine.
Molecular consequence: missense variant.
Genome position (GRCh38, 1-based): chr1:15,727,231, G>A. VCF-style: chr1-15727231-G-A. GRCh37 (hg19) VCF-style: chr1-16053726-G-A.
Other names: short protein forms E387K.
Identifiers: ClinVar variation 1058109 (VCV001058109.8), dbSNP rs376491799, ClinGen allele CA616874.

ClinVar aggregate classification (germline): Uncertain significance (1 of 4 stars; one submission).

Conditions:
Dilated Cardiomyopathy, Recessive.

Allele frequency attached by ClinVar (database versions not stated): TOPMed 0.00001; ESP Exome Variant Server 0.00008; gnomAD 0.00001.
gnomAD v4.1: 11 of 1,602,818 alleles (0.00069%); highest among the groups gnomAD compares: East Asian, 0.0045%; no homozygotes.

Submission:

Labcorp Genetics (formerly Invitae), Labcorp
Classification: Uncertain significance. Last evaluated: 2024-02-29. Review status: criteria provided, single submitter. Criteria: Invitae Variant Classification Sherloc (09022015). Collection method: clinical testing. Allele origin: germline.
Comment: This sequence change replaces glutamic acid, which is acidic and polar, with lysine, which is basic and polar, at codon 387 of the PLEKHM2 protein (p.Glu387Lys). This variant is present in population databases (rs376491799, gnomAD 0.006%). This variant has not been reported in the literature in individuals affected with PLEKHM2-related conditions. ClinVar contains an entry for this variant (Variation ID: 1058109). An algorithm developed to predict the effect of missense changes on protein structure and function (PolyPhen-2) suggests that this variant¬†is likely to be tolerated. In summary, the available evidence is currently insufficient to determine the role of this variant in disease. Therefore, it has been classified as a Variant of Uncertain Significance.